The following is an entry in ClinVar:

NC_000022.10:g.(?_18900688)_(21351637_?)dup

Genes: ARVCF (ARVCF delta catenin family member; minus strand), FAM230A (family with sequence similarity 230 member A; plus strand), KLHL22 (kelch like family member 22; minus strand), C22orf39 (chromosome 22 open reading frame 39; minus strand), LZTR1 (leucine zipper like post translational regulator 1; plus strand) and 38 more. Cytogenetic location: 22q11.21.
Variant type: Duplication.
Identifiers: ClinVar variation 1430756 (VCV001430756.5).

ClinVar aggregate classification (germline): Uncertain significance (1 of 4 stars; one submission).

Conditions:
DiGeorge syndrome. Also called: THIRD AND FOURTH PHARYNGEAL POUCH SYNDROME; Catch22. Identifiers: Orphanet 567, MedGen C0012236, MONDO:0008564, OMIM 188400.

Submission:

Labcorp Genetics (formerly Invitae), Labcorp
Classification: Uncertain significance for DiGeorge syndrome. Last evaluated: 2022-11-01. Review status: criteria provided, single submitter. Criteria: Invitae Variant Classification Sherloc (09022015). Collection method: clinical testing. Allele origin: germline.
Comment: A copy number gain of the genomic region encompassing the full coding sequence of the TBX1 gene has been identified. The boundaries of this event are unknown as they extend beyond the assayed region for this gene and therefore may encompass additional genes. As the precise location of this event is unknown, it may be in tandem or it may be located elsewhere in the genome. Isolated whole-gene copy number gains of TBX1 have not been reported in the literature. However, larger copy number events that include this gene have been reported (PMID: 21921585, 25516202). Experimental studies and prediction algorithms are not available or were not evaluated, and the functional significance of this variant is currently unknown. In summary, the available evidence is currently insufficient to determine the role of this variant in disease. Therefore, it has been classified as a Variant of Uncertain Significance.

Literature cited by the submitters: PubMed 21921585; PubMed 25516202.